The following is an entry in ClinVar:

NM_000059.4(BRCA2):c.4395_4406del (p.Glu1465_Ser1468del)

Gene: BRCA2 (BRCA2 DNA repair associated; plus strand). Cytogenetic location: 13q13.1.
Variant type: Deletion.
Coding change: c.4395_4406del on transcript NM_000059.4 (MANE Select); coding-DNA positions 4395 to 4406, 12 bases deleted (ATTACATTCTGA).
Protein change: p.Glu1465_Ser1468del.
Molecular consequence: inframe deletion.
Genome position (GRCh38, 1-based): chr13:32,338,750-32,338,761, ATTACATTCTGA deleted; deleting any 12 consecutive bases within chr13:32,338,743-32,338,761 gives the same sequence; the c. name uses the placement nearest the transcript's 3' end. VCF-style (leftmost placement, unchanged base first): chr13-32338742-AATTCTGAATTAC-A. GRCh37 (hg19) VCF-style: chr13-32912879-AATTCTGAATTAC-A.
Identifiers: ClinVar variation 824861 (VCV000824861.4), dbSNP rs1593902212, ClinGen allele CA915948463.

ClinVar aggregate classification (germline): Uncertain significance (1 of 4 stars; one submission).

Conditions:
Hereditary cancer-predisposing syndrome. Also called: Neoplastic Syndromes, Hereditary; Tumor predisposition; Hereditary neoplastic syndrome; Hereditary Cancer Syndrome. Identifiers: Orphanet 140162, MedGen C0027672, MeSH D009386, MONDO:0015356.

Submission:

Ambry Genetics
Classification: Uncertain significance for Hereditary cancer-predisposing syndrome. Last evaluated: 2018-04-26. Review status: criteria provided, single submitter. Criteria: Ambry Variant Classification Scheme 2023. Collection method: clinical testing. Allele origin: germline.
Comment: The c.4395_4406del12 variant (also known as p.E1465_S1468del) is located in coding exon 10 of the BRCA2 gene. This variant results from an in-frame ATTACATTCTGA deletion at nucleotide positions 4395 to 4406. This results in the in-frame deletion of 4 residues at codons 1465 to 1468. The deleted amino acid region is not well conserved in available vertebrate species. Since supporting evidence is limited at this time, the clinical significance of this alteration remains unclear.